The following is an entry in ClinVar:

NM_004082.5(DCTN1):c.3683C>T (p.Ser1228Leu)

Gene: DCTN1 (dynactin subunit 1; minus strand). Cytogenetic location: 2p13.1.
Variant type: single nucleotide variant.
Coding change: c.3683C>T on transcript NM_004082.5 (MANE Select); coding-DNA position 3683, C replaced by T.
Protein change: p.Ser1228Leu; replaces serine 1228 with leucine.
Molecular consequence: missense variant. On other transcripts: non-coding transcript variant (1).
Genome position (GRCh38, 1-based): chr2:74,362,068, G>A on the plus strand (C>T on the coding strand, the complement: DCTN1 is on the minus strand). VCF-style: chr2-74362068-G-A. GRCh37 (hg19) VCF-style: chr2-74589195-G-A.
Other names: c.3608C>T, p.Ser1203Leu (NM_001135040.3); c.3266C>T, p.Ser1089Leu (NM_001135041.3); c.3557C>T, p.Ser1186Leu (NM_001190836.2); c.3662C>T, p.Ser1221Leu (NM_001190837.2); c.3632C>T, p.Ser1211Leu (NM_001378991.1); c.3614C>T, p.Ser1205Leu (NM_001378992.1); c.3281C>T, p.Ser1094Leu (NM_023019.4); short protein forms S1089L, S1094L, S1186L, S1203L, S1205L, S1211L, S1221L, S1228L.
Identifiers: ClinVar variation 1714152 (VCV001714152.6), dbSNP rs2529071738, ClinGen allele CA347334753.

ClinVar aggregate classification (germline): Uncertain significance (1 of 4 stars; one submission).

Conditions:
Amyotrophic lateral sclerosis type 1 (ALS1). Also called: AMYOTROPHIC LATERAL SCLEROSIS 1, FAMILIAL. Identifiers: Orphanet 803, MedGen C1862939, MONDO:0007103, OMIM 105400.
Perry syndrome. Also called: PARKINSONISM WITH ALVEOLAR HYPOVENTILATION AND MENTAL DEPRESSION. Identifiers: Orphanet 178509, MedGen C1868594, MONDO:0008201, OMIM 168605.
Neuronopathy, distal hereditary motor, type 7B. Also called: NEURONOPATHY, DISTAL HEREDITARY MOTOR, AUTOSOMAL DOMINANT 14; NEURONOPATHY, DISTAL HEREDITARY MOTOR, HARDING TYPE VIIB; NEUROPATHY, DISTAL HEREDITARY MOTOR, HARDING TYPE VIIB; NEUROPATHY, DISTAL HEREDITARY MOTOR, WITH VOCAL CORD PARALYSIS, HARDING TYPE VIIB; HMN VIIB; LOWER MOTOR NEURON DISEASE, DYNACTIN TYPE. Identifiers: Orphanet 139589, MedGen C1843315, MONDO:0011879, OMIM 607641.

Allele frequency attached by ClinVar (database versions not stated): gnomAD exomes below 0.00001.
gnomAD v4.1: 1 of 1,613,858 alleles (0.000062%); highest among the groups gnomAD compares: East Asian, 0.0022%; no homozygotes.

Submission:

Labcorp Genetics (formerly Invitae), Labcorp
Classification: Uncertain significance for Amyotrophic lateral sclerosis type 1; Neuronopathy, distal hereditary motor, type 7B; Perry syndrome. Last evaluated: 2022-07-29. Review status: criteria provided, single submitter. Criteria: Invitae Variant Classification Sherloc (09022015). Collection method: clinical testing. Allele origin: germline.
Comment: In summary, the available evidence is currently insufficient to determine the role of this variant in disease. Therefore, it has been classified as a Variant of Uncertain Significance. Algorithms developed to predict the effect of missense changes on protein structure and function are either unavailable or do not agree on the potential impact of this missense change (SIFT: "Deleterious"; PolyPhen-2: "Benign"; Align-GVGD: "Class C65"). This variant has not been reported in the literature in individuals affected with DCTN1-related conditions. This sequence change replaces serine, which is neutral and polar, with leucine, which is neutral and non-polar, at codon 1228 of the DCTN1 protein (p.Ser1228Leu). This variant is not present in population databases (gnomAD no frequency).